The following is an entry in ClinVar:

ClinVar aggregate classification (germline): Benign. Review status: criteria provided, multiple submitters, no conflicts (2 of 4 stars). 2 submissions from 2 submitters: Benign (2). Last evaluated 2018-06-16.

Allele frequency attached by ClinVar (database versions not stated): 1000 Genomes Project 0.05791; 1000 Genomes Project 30x 0.06340; gnomAD 0.03991 and 0.03925; TOPMed 0.04237.

Submissions (2):

GeneDx
Classification: Benign. Last evaluated: 2018-06-16. Review status: criteria provided, single submitter. Criteria: GeneDx Variant Classification (06012015). Collection method: clinical testing. Allele origin: germline. Affected: yes.
Comment: This variant is considered likely benign or benign based on one or more of the following criteria: it is a conservative change, it occurs at a poorly conserved position in the protein, it is predicted to be benign by multiple in silico algorithms, and/or has population frequency not consistent with disease.

Breakthrough Genomics
Classification: Benign. Review status: criteria provided, single submitter. Criteria: ACMG Guidelines, 2015. Collection method: not provided. Allele origin: germline. Inheritance: Autosomal recessive inheritance. Affected: yes.

NM_030813.5(CLPB):c.-213C>T

Gene: CLPB (ClpB family mitochondrial disaggregase; minus strand). Cytogenetic location: 11q13.4.
Variant type: single nucleotide variant.
Coding change: c.-213C>T on transcript NM_030813.5; 213 bases upstream of the start codon, C replaced by T.
Genome position (GRCh38, 1-based): chr11:72,434,687, G>A on the plus strand (C>T on the coding strand, the complement: CLPB is on the minus strand). VCF-style: chr11-72434687-G-A. GRCh37 (hg19) VCF-style: chr11-72145731-G-A.
Identifiers: ClinVar variation 676298 (VCV000676298.4), dbSNP rs74895347, ClinGen allele CA224519247.